The following is an entry in ClinVar:

NM_002476.2(MYL4):c.499A>G (p.Thr167Ala)

Gene: MYL4 (myosin light chain 4; plus strand). Cytogenetic location: 17q21.32.
Variant type: single nucleotide variant.
Coding change: c.499A>G on transcript NM_002476.2 (MANE Select); coding-DNA position 499, A replaced by G.
Protein change: p.Thr167Ala; replaces threonine 167 with alanine.
Molecular consequence: missense variant.
Genome position (GRCh38, 1-based): chr17:47,222,391, A>G. VCF-style: chr17-47222391-A-G. GRCh37 (hg19) VCF-style: chr17-45299757-A-G.
Other names: c.499A>G, p.Thr167Ala (NM_001002841.2); short protein forms T167A.
Identifiers: ClinVar variation 1050475 (VCV001050475.3), dbSNP rs535742062, ClinGen allele CA8622779.

ClinVar aggregate classification (germline): Uncertain significance. Review status: criteria provided, single submitter (1 of 4 stars). 2 submissions from 2 submitters: Uncertain significance (1). 1 of the submissions does not count toward it. Last evaluated 2024-09-21.

Conditions:
Atrial fibrillation, familial, 18 (ATFB18). Identifiers: MedGen C4310636, MONDO:0015001, OMIM 617280.

Allele frequency attached by ClinVar (database versions not stated): ExAC 0.00002; gnomAD 0.00002; gnomAD exomes 0.00002; 1000 Genomes Project 0.00040; 1000 Genomes Project 30x 0.00047.
gnomAD v4.1: 27 of 1,614,168 alleles (0.0017%); highest among the groups gnomAD compares: South Asian, 0.029%; no homozygotes.

Submissions (2):

Labcorp Genetics (formerly Invitae), Labcorp
Classification: Uncertain significance for Atrial fibrillation, familial, 18. Last evaluated: 2024-09-21. Review status: criteria provided, single submitter. Criteria: Invitae Variant Classification Sherloc (09022015). Collection method: clinical testing. Allele origin: germline.
Comment: This sequence change replaces threonine, which is neutral and polar, with alanine, which is neutral and non-polar, at codon 167 of the MYL4 protein (p.Thr167Ala). This variant is present in population databases (rs535742062, gnomAD 0.02%). This variant has not been reported in the literature in individuals affected with MYL4-related conditions. ClinVar contains an entry for this variant (Variation ID: 1050475). An algorithm developed to predict the effect of missense changes on protein structure and function (PolyPhen-2) suggests that this variant is likely to be tolerated. In summary, the available evidence is currently insufficient to determine the role of this variant in disease. Therefore, it has been classified as a Variant of Uncertain Significance.

Department of Pathology and Laboratory Medicine, Sinai Health System
Classification: Uncertain significance. Review status: no assertion criteria provided. Collection method: clinical testing. Allele origin: unknown. Affected: yes. Study: The Canadian Open Genetics Repository (COGR). Not counted in ClinVar's aggregate classification.
Comment: The MYL4 p.Thr167Ala variant was not identified in the literature nor was it identified in ClinVar. The variant was identified in dbSNP (ID: rs535742062) and in control databases in 6 of 251472 chromosomes at a frequency of 0.00002386 (Genome Aggregation Database March 6, 2019, v2.1.1). The variant was observed in the South Asian population in 6 of 30616 chromosomes (freq: 0.000196), but was not observed in the African, Latino, Ashkenazi Jewish, East Asian, European (Finnish), European (non-Finnish), or Other populations. The p.Thr167 residue is not conserved in mammals and computational analyses (PolyPhen-2, SIFT, AlignGVGD, BLOSUM, MutationTaster) provide inconsistent predictions regarding the impact to the protein; this information is not very predictive of pathogenicity. The variant occurs outside of the splicing consensus sequence and three of four in silico or computational prediction software programs (SpliceSiteFinder, MaxEntScan, NNSPLICE, GeneSplicer) do not predict a greater than 10% difference in splicing; this is not very predictive of pathogenicity. In summary, based on the above information the clinical significance of this variant cannot be determined with certainty at this time. This variant is classified as a variant of uncertain significance.